The following is an entry in ClinVar:

ClinVar aggregate classification (germline): Conflicting classifications of pathogenicity. Review status: criteria provided, conflicting classifications (1 of 4 stars). 3 submissions from 3 submitters: Likely pathogenic (2); Uncertain significance (1). Last evaluated 2025-11-06.

Conditions:
MECR-related disorders.

gnomAD v4.1: 10 of 1,613,900 alleles (0.00062%); highest among the groups gnomAD compares: South Asian, 0.0011%; no homozygotes.

Submissions (3):

GeneDx
Classification: Likely pathogenic. Last evaluated: 2025-11-06. Review status: criteria provided, single submitter. Criteria: GeneDx Variant Classification Process June 2021. Collection method: clinical testing. Allele origin: germline.
Comment: Not observed at significant frequency in large population cohorts (gnomAD); Nonsense variant predicted to result in protein truncation as the last 37 amino acids are lost; This variant is associated with the following publications: (PMID: 31137067)

Women's Health and Genetics/Laboratory Corporation of America, LabCorp
Classification: Uncertain significance. Last evaluated: 2025-03-26. Review status: criteria provided, single submitter. Criteria: LabCorp Variant Classification Summary - May 2015. Collection method: clinical testing. Allele origin: germline.
Comment: Variant summary: MECR c.1009C>T (p.Arg337X) results in a premature termination codon, predicted to cause a truncation of the encoded protein, and no downtream pathogenic variants have been reported. The variant allele was found at a frequency of 1.2e-05 in 250898 control chromosomes. The available data on variant occurrences in the general population are insufficient to allow any conclusion about variant significance. c.1009C>T has been reported in the literature in one individual affected with Dystonia, Childhood-Onset, With Optic Atrophy And Basal Ganglia Abnormalities (Gorukmez_ 2019). These data do not allow any conclusion about variant significance. To our knowledge, no experimental evidence demonstrating an impact on protein function has been reported. The following publication has been ascertained in the context of this evaluation (PMID: 31137067). ClinVar contains an entry for this variant (Variation ID: 3340712). Based on the evidence outlined above, the variant was classified as uncertain significance.

Blueprint Genetics
Classification: Likely pathogenic for MECR-related disorders. Last evaluated: 2024-06-12. Review status: criteria provided, single submitter. Criteria: ACMG Guidelines, 2015. Collection method: clinical testing. Allele origin: germline. Affected: yes. Observed: 5 variant alleles.

Literature cited by the submitters: PubMed 31137067 (cited by Women's Health and Genetics/Laboratory Corporation of America, LabCorp).

NM_016011.5(MECR):c.1009C>T (p.Arg337Ter)

Gene: MECR (mitochondrial trans-2-enoyl-CoA reductase; minus strand). Cytogenetic location: 1p35.3.
Variant type: single nucleotide variant.
Coding change: c.1009C>T on transcript NM_016011.5 (MANE Select); coding-DNA position 1009, C replaced by T.
Protein change: p.Arg337Ter; replaces arginine 337 with a stop codon.
Molecular consequence: nonsense. On other transcripts: non-coding transcript variant (4).
Genome position (GRCh38, 1-based): chr1:29,194,135, G>A on the plus strand (C>T on the coding strand, the complement: MECR is on the minus strand). VCF-style: chr1-29194135-G-A. GRCh37 (hg19) VCF-style: chr1-29520647-G-A.
Other names: c.781C>T, p.Arg261Ter (NM_001024732.4, NM_001349711.2, NM_001349712.2 and 2 more transcripts); c.1114C>T, p.Arg372Ter (NM_001349715.2); c.1093C>T, p.Arg365Ter (NM_001349716.2); c.859C>T, p.Arg287Ter (NM_001349717.2); short protein forms R261*, R287*, R337*, R365*, R372*.
Identifiers: ClinVar variation 3340712 (VCV003340712.4).